The following is an entry in ClinVar:

NM_024741.3(ZNF408):c.1327G>A (p.Gly443Ser)

Gene: ZNF408 (zinc finger protein 408; plus strand). Cytogenetic location: 11p11.2.
Variant type: single nucleotide variant.
Coding change: c.1327G>A on transcript NM_024741.3 (MANE Select); coding-DNA position 1327, G replaced by A.
Protein change: p.Gly443Ser; replaces glycine 443 with serine.
Molecular consequence: missense variant.
Genome position (GRCh38, 1-based): chr11:46,705,027, G>A. VCF-style: chr11-46705027-G-A. GRCh37 (hg19) VCF-style: chr11-46726577-G-A.
Other names: c.1303G>A, p.Gly435Ser (NM_001184751.2); c.1327G>A (NM_024741.2); short protein forms G443S, G435S.
Identifiers: ClinVar variation 2988995 (VCV002988995.4), dbSNP rs1311690533, ClinGen allele CA380255713.

ClinVar aggregate classification (germline): Uncertain significance. Review status: criteria provided, multiple submitters, no conflicts (2 of 4 stars). 2 submissions from 2 submitters: Uncertain significance (2). Last evaluated 2025-02-05.

Conditions:
Inborn genetic diseases. Identifiers: MedGen C0950123, MeSH D030342.

Allele frequency attached by ClinVar (database versions not stated): gnomAD exomes below 0.00001; gnomAD 0.00001.
gnomAD v4.1: 2 of 1,613,180 alleles (0.00012%); highest among the groups gnomAD compares: Admixed American, 0.0033%; no homozygotes.

Submissions (2):

Ambry Genetics
Classification: Uncertain significance for Inborn genetic diseases. Last evaluated: 2025-02-05. Review status: criteria provided, single submitter. Criteria: Ambry Variant Classification Scheme 2023. Collection method: clinical testing. Allele origin: germline.

Labcorp Genetics (formerly Invitae), Labcorp
Classification: Uncertain significance. Last evaluated: 2022-12-15. Review status: criteria provided, single submitter. Criteria: Invitae Variant Classification Sherloc (09022015). Collection method: clinical testing. Allele origin: germline.
Comment: In summary, the available evidence is currently insufficient to determine the role of this variant in disease. Therefore, it has been classified as a Variant of Uncertain Significance. Algorithms developed to predict the effect of missense changes on protein structure and function (SIFT, PolyPhen-2, Align-GVGD) all suggest that this variant is likely to be disruptive. This variant has not been reported in the literature in individuals affected with ZNF408-related conditions. This variant is not present in population databases (gnomAD no frequency). This sequence change replaces glycine, which is neutral and non-polar, with serine, which is neutral and polar, at codon 443 of the ZNF408 protein (p.Gly443Ser).